The following is an entry in ClinVar:

NM_001164508.2(NEB):c.9866G>A (p.Gly3289Asp)

Gene: NEB (nebulin; minus strand). Cytogenetic location: 2q23.3.
Variant type: single nucleotide variant.
Coding change: c.9866G>A on transcript NM_001164508.2 (MANE Select); coding-DNA position 9866, G replaced by A.
Protein change: p.Gly3289Asp; replaces glycine 3289 with aspartic acid.
Molecular consequence: missense variant.
Genome position (GRCh38, 1-based): chr2:151,627,800, C>T on the plus strand (G>A on the coding strand, the complement: NEB is on the minus strand). VCF-style: chr2-151627800-C-T. GRCh37 (hg19) VCF-style: chr2-152484314-C-T.
Other names: NM_001164508.2(NEB):c.9866G>A; p.Gly3289Asp; c.9866G>A, p.Gly3289Asp (NM_001164507.2, NM_001271208.2); c.9137G>A, p.Gly3046Asp (NM_004543.5); c.9137G>A (NM_004543.4); short protein forms G3289D, G3046D.
Identifiers: ClinVar variation 852592 (VCV000852592.7), dbSNP rs371490023, ClinGen allele CA1909174.
Genomic context (GRCh38, chr2:151,627,800, plus strand): 5'-ACATGCATGGACCACATCATCTTGGGGTCATCTTCAATGTTCCGGGCTCCAATGTGGTGG[C>T]CGAGCTGCTTGCGGTAACCATCTTTGTATTTGTACTGAAATAAAGGTGGTCATTTCAAAA-3'
Protein context (NP_001157980.2, residues 3279-3299): KYKDGYRKQL[Gly3289Asp]HHIGARNIED

ClinVar aggregate classification (germline): Uncertain significance. Review status: criteria provided, multiple submitters, no conflicts (2 of 4 stars). 5 submissions from 5 submitters: Uncertain significance (4). 1 of the submissions does not count toward it. Last evaluated 2025-03-17.

Conditions:
Nemaline myopathy 2 (NEM2). Also called: Nemaline myopathy 2, autosomal recessive. Identifiers: MedGen C1850569, MONDO:0009725, OMIM 256030.
Inborn genetic diseases. Identifiers: MedGen C0950123, MeSH D030342.
Nemaline myopathy. Also called: Myopathies, Nemaline. Identifiers: Orphanet 607, MedGen C0206157, MONDO:0018958.

Allele frequency attached by ClinVar (database versions not stated): gnomAD exomes 0.00003; ExAC 0.00005; TOPMed 0.00006; ESP Exome Variant Server 0.00008; gnomAD 0.00017 and 0.00019.
gnomAD v4.1: 71 of 1,613,742 alleles (0.0044%); highest among the groups gnomAD compares: Admixed American, 0.043%; no homozygotes.

Submissions (5):

Broad Center for Mendelian Genomics, Broad Institute of MIT and Harvard
Classification: Uncertain significance for Nemaline myopathy. Last evaluated: 2025-03-17. Review status: criteria provided, single submitter. Criteria: ACMG Guidelines, 2015. Collection method: curation. Allele origin: germline. Inheritance: Autosomal recessive inheritance.
Comment: The p.Gly3289Asp variant in NEB has been reported in one individual with nemaline myopathy (PMID: 33726816), and has been identified in 0.04% (26/59986) of Admixed American chromosomes by the Genome Aggregation Database (gnomAD; dbSNP ID: rs371490023). Although this variant has been seen in the general population in a heterozygous state, its frequency is not high enough to rule out a pathogenic role. Computational prediction tools and conservation analyses do not provide strong support for or against an impact to the protein. In summary, the clinical significance of the p.Gly3289Asp variant is uncertain. ACMG/AMP Criteria applied: none (Richards 2015).

GeneDx
Classification: Uncertain significance. Last evaluated: 2024-03-12. Review status: criteria provided, single submitter. Criteria: GeneDx Variant Classification Process June 2021. Collection method: clinical testing. Allele origin: germline. Affected: yes.
Comment: Not observed at significant frequency in large population cohorts (gnomAD); In silico analysis supports that this missense variant has a deleterious effect on protein structure/function; Has not been previously published as pathogenic or benign to our knowledge; This variant is associated with the following publications: (PMID: 33726816)

Labcorp Genetics (formerly Invitae), Labcorp
Classification: Uncertain significance for Nemaline myopathy 2. Last evaluated: 2022-08-21. Review status: criteria provided, single submitter. Criteria: Invitae Variant Classification Sherloc (09022015). Collection method: clinical testing. Allele origin: germline.
Comment: This sequence change replaces glycine, which is neutral and non-polar, with aspartic acid, which is acidic and polar, at codon 3289 of the NEB protein (p.Gly3289Asp). This variant is present in population databases (rs371490023, gnomAD 0.009%). This variant has not been reported in the literature in individuals affected with NEB-related conditions. ClinVar contains an entry for this variant (Variation ID: 852592). Algorithms developed to predict the effect of missense changes on protein structure and function are either unavailable or do not agree on the potential impact of this missense change (SIFT: "Deleterious"; PolyPhen-2: "Not Available"; Align-GVGD: "Class C0"). In summary, the available evidence is currently insufficient to determine the role of this variant in disease. Therefore, it has been classified as a Variant of Uncertain Significance.

Ambry Genetics
Classification: Uncertain significance for Inborn genetic diseases. Last evaluated: 2021-08-04. Review status: criteria provided, single submitter. Criteria: Ambry Variant Classification Scheme 2023. Collection method: clinical testing. Allele origin: germline.

Natera, Inc.
Classification: Uncertain significance for Nemaline myopathy type 2. Last evaluated: 2020-03-17. Review status: no assertion criteria provided. Collection method: clinical testing. Allele origin: germline. Not counted in ClinVar's aggregate classification.